The following is an entry in ClinVar:

NM_017827.4(SARS2):c.796G>A (p.Gly266Arg)

Gene: SARS2 (seryl-tRNA synthetase 2, mitochondrial; minus strand). Cytogenetic location: 19q13.2.
Variant type: single nucleotide variant.
Coding change: c.796G>A on transcript NM_017827.4 (MANE Select); coding-DNA position 796, G replaced by A.
Protein change: p.Gly266Arg; replaces glycine 266 with arginine.
Molecular consequence: missense variant.
Genome position (GRCh38, 1-based): chr19:38,918,777, C>T on the plus strand (G>A on the coding strand, the complement: SARS2 is on the minus strand). VCF-style: chr19-38918777-C-T. GRCh37 (hg19) VCF-style: chr19-39409417-C-T.
Other names: p.G266R:GGA>AGA; c.802G>A, p.Gly268Arg (NM_001145901.2); short protein forms G266R, G268R.
Identifiers: ClinVar variation 215112 (VCV000215112.5), dbSNP rs767412508, ClinGen allele CA324482.

ClinVar aggregate classification (germline): Uncertain significance. Review status: criteria provided, multiple submitters, no conflicts (2 of 4 stars). 3 submissions from 3 submitters: Uncertain significance (3). Last evaluated 2022-02-24.

Conditions:
Hyperuricemia, pulmonary hypertension, renal failure, alkalosis syndrome (HUPRAS). Also called: HYPERURICEMIA, PULMONARY HYPERTENSION, RENAL FAILURE, AND ALKALOSIS SYNDROME; HUPRA SYNDROME. Identifiers: Orphanet 363694, MedGen C3151209, MONDO:0013458, OMIM 613845.

Allele frequency attached by ClinVar (database versions not stated): ExAC below 0.00001; gnomAD exomes 0.00001; gnomAD 0.00002; TOPMed 0.00002.

Submissions (3):

Fulgent Genetics
Classification: Uncertain significance for Hyperuricemia, pulmonary hypertension, renal failure, alkalosis syndrome. Last evaluated: 2022-02-24. Review status: criteria provided, single submitter. Criteria: ACMG Guidelines, 2015. Collection method: clinical testing. Allele origin: unknown.

Ambry Genetics
Classification: Uncertain significance. Last evaluated: 2021-08-02. Review status: criteria provided, single submitter. Criteria: Ambry Variant Classification Scheme 2023. Collection method: clinical testing. Allele origin: germline.

GeneDx
Classification: Uncertain significance. Last evaluated: 2016-11-25. Review status: criteria provided, single submitter. Criteria: GeneDx Variant Classification (06012015). Collection method: clinical testing. Allele origin: germline. Affected: yes.
Comment: p.Gly266Arg (GGA>AGA): c.796 G>A in exon 8 of the SARS2 gene (NM_017827.3) A variant of unknown significance has been identified in the SARS2 gene. The G266R variant has not been published as a mutation, nor has it been reported as a benign polymorphism to our knowledge. The G266R variant is a non-conservative amino acid substitution, which is likely to impact secondary protein structure as these residues differ in polarity, charge, size and/or other properties. This substitution occurs at a position that is conserved across species. In silico analysis is inconsistent in its predictions as to whether or not the variant is damaging to the protein structure/function. Therefore, based on the currently available information, it is unclear whether this variant is a pathogenic mutation or a rare benign variant. The variant is found in MITONUC-MITOP panel(s).